The following is an entry in ClinVar:

ClinVar aggregate classification (germline): Uncertain significance (1 of 4 stars; one submission).

Conditions:
Dystonic disorder. Also called: Dystonia. Identifiers: MedGen C0013421, MONDO:0003441, HP:0001332.

Allele frequency attached by ClinVar (database versions not stated): gnomAD exomes 0.00001.
gnomAD v4.1: 3 of 1,614,222 alleles (0.00019%); highest among the groups gnomAD compares: Non-Finnish European, 0.00025%; no homozygotes.

Submission:

Labcorp Genetics (formerly Invitae), Labcorp
Classification: Uncertain significance for Dystonic disorder. Last evaluated: 2023-06-05. Review status: criteria provided, single submitter. Criteria: Invitae Variant Classification Sherloc (09022015). Collection method: clinical testing. Allele origin: germline.
Comment: In summary, the available evidence is currently insufficient to determine the role of this variant in disease. Therefore, it has been classified as a Variant of Uncertain Significance. This variant has not been reported in the literature in individuals affected with ANO3-related conditions. Advanced modeling of protein sequence and biophysical properties (such as structural, functional, and spatial information, amino acid conservation, physicochemical variation, residue mobility, and thermodynamic stability) performed at Invitae indicates that this missense variant is not expected to disrupt ANO3 protein function. This variant is present in population databases (no rsID available, gnomAD 0.0009%). This sequence change replaces glutamine, which is neutral and polar, with arginine, which is basic and polar, at codon 52 of the ANO3 protein (p.Gln52Arg).

NM_031418.4(ANO3):c.155A>G (p.Gln52Arg)

Gene: ANO3 (anoctamin 3; plus strand). Cytogenetic location: 11p14.2.
Variant type: single nucleotide variant.
Coding change: c.155A>G on transcript NM_031418.4 (MANE Select); coding-DNA position 155, A replaced by G.
Protein change: p.Gln52Arg; replaces glutamine 52 with arginine.
Molecular consequence: missense variant.
Genome position (GRCh38, 1-based): chr11:26,442,026, A>G. VCF-style: chr11-26442026-A-G. GRCh37 (hg19) VCF-style: chr11-26463573-A-G.
Other names: c.338A>G, p.Gln113Arg (NM_001313726.2); short protein forms Q113R, Q52R.
Identifiers: ClinVar variation 3011902 (VCV003011902.3), dbSNP rs950264068, ClinGen allele CA219763568.